The following is an entry in ClinVar:

ClinVar aggregate classification (germline): Uncertain significance (1 of 4 stars; one submission).

Conditions:
Developmental and epileptic encephalopathy. Identifiers: MedGen C5779964, MONDO:0100620.

Allele frequency attached by ClinVar (database versions not stated): gnomAD exomes below 0.00001; gnomAD 0.00001; TOPMed 0.00001.
gnomAD v4.1: 8 of 1,613,790 alleles (0.0005%); highest among the groups gnomAD compares: Non-Finnish European, 0.00068%; no homozygotes.

Submission:

Labcorp Genetics (formerly Invitae), Labcorp
Classification: Uncertain significance for Early-infantile DEE. Last evaluated: 2022-01-14. Review status: criteria provided, single submitter. Criteria: Invitae Variant Classification Sherloc (09022015). Collection method: clinical testing. Allele origin: germline.
Comment: This sequence change replaces threonine, which is neutral and polar, with serine, which is neutral and polar, at codon 312 of the CACNA2D2 protein (p.Thr312Ser). This variant is not present in population databases (gnomAD no frequency). This variant has not been reported in the literature in individuals affected with CACNA2D2-related conditions. ClinVar contains an entry for this variant (Variation ID: 568427). Algorithms developed to predict the effect of missense changes on protein structure and function are either unavailable or do not agree on the potential impact of this missense change (SIFT: "Deleterious"; PolyPhen-2: "Possibly Damaging"; Align-GVGD: "Class C0"). In summary, the available evidence is currently insufficient to determine the role of this variant in disease. Therefore, it has been classified as a Variant of Uncertain Significance.

NM_006030.4(CACNA2D2):c.934A>T (p.Thr312Ser)

Gene: CACNA2D2 (calcium voltage-gated channel auxiliary subunit alpha2delta 2; minus strand). Cytogenetic location: 3p21.31.
Variant type: single nucleotide variant.
Coding change: c.934A>T on transcript NM_006030.4 (MANE Select); coding-DNA position 934, A replaced by T.
Protein change: p.Thr312Ser; replaces threonine 312 with serine.
Molecular consequence: missense variant.
Genome position (GRCh38, 1-based): chr3:50,379,784, T>A on the plus strand (A>T on the coding strand, the complement: CACNA2D2 is on the minus strand). VCF-style: chr3-50379784-T-A. GRCh37 (hg19) VCF-style: chr3-50417215-T-A.
Other names: c.934A>T, p.Thr312Ser (NM_001005505.3, NM_001174051.3); c.727A>T, p.Thr243Ser (NM_001291101.1); short protein forms T312S, T243S.
Identifiers: ClinVar variation 568427 (VCV000568427.4), dbSNP rs1034742584, ClinGen allele CA74615652.